The following is an entry in ClinVar:

ClinVar aggregate classification (germline): Pathogenic (1 of 4 stars; one submission).

Submission:

Labcorp Genetics (formerly Invitae), Labcorp
Classification: Pathogenic. Last evaluated: 2025-07-27. Review status: criteria provided, single submitter. Criteria: Invitae Variant Classification Sherloc (09022015). Collection method: clinical testing. Allele origin: germline.
Comment: This sequence change creates a premature translational stop signal (p.Cys32Glyfs*25) in the NTHL1 gene. While this is not anticipated to result in nonsense mediated decay, it is expected to disrupt the last 281 amino acid(s) of the NTHL1 protein. This variant is not present in population databases (gnomAD no frequency). This variant has not been reported in the literature in individuals affected with NTHL1-related conditions. This variant disrupts a region of the NTHL1 protein in which other variant(s) (p.Gln287*) have been determined to be pathogenic (PMID: 27329137, 28912133, 30552997, 30753826; internal data). This suggests that this is a clinically significant region of the protein, and that variants that disrupt it are likely to be disease-causing. For these reasons, this variant has been classified as Pathogenic.

Literature cited by the submitters: PubMed 27329137; PubMed 28912133; PubMed 30552997; PubMed 30753826.

NM_002528.7(NTHL1):c.68_69dup (p.Cys24fs)

Gene: NTHL1 (nth like DNA glycosylase 1; minus strand). Cytogenetic location: 16p13.3.
Variant type: Duplication.
Coding change: c.68_69dup on transcript NM_002528.7 (MANE Select); coding-DNA positions 68 to 69, 2 bases duplicated (GG; older notation c.68_69dupGG).
Protein change: p.Cys24fs; shifts the reading frame from cysteine 24.
Molecular consequence: frameshift variant. On other transcripts: 5 prime UTR variant (1).
Genome position (GRCh38, 1-based): chr16:2,047,755-2,047,756, CC duplicated on the plus strand (GG on the coding strand, the reverse complement: NTHL1 is on the minus strand); duplicating any 2 consecutive bases within chr16:2,047,755-2,047,759 gives the same sequence; the c. name uses the placement nearest the transcript's 3' end. VCF-style (leftmost placement, unchanged base first): chr16-2047754-A-ACC. GRCh37 (hg19) VCF-style: chr16-2097755-A-ACC.
Other names: c.68_69dup, p.Cys24fs (NM_001318193.2); c.-111_-110dup (NM_001318194.2); short protein forms C24fs.
Identifiers: ClinVar variation 4724067 (VCV004724067.1).
Genomic context (GRCh38, chr16:2,047,754, plus strand): 5'-ACGGCGCGGCGCTACCTGCTGCAGCCTCTCTTCTCCGGAGAGGCCCGGGCTCCTCCCTAC[A>ACC]CCCCCGCGGCCCAGCCCCGGGTCCCAGGCTCCGGCTCCGGGTCAGCATCCTCGCGCTCAA-3'